The following is an entry in ClinVar:

ClinVar aggregate classification (germline): Likely pathogenic (1 of 4 stars; one submission).

Conditions:
Retinal dystrophy. Also called: Inherited retinal dystrophy. Identifiers: Orphanet 71862, MedGen C0854723, MeSH D058499, MONDO:0019118, HP:0000556.

Submission:

Ophthalmic Genetics Group, Institute of Molecular and Clinical Ophthalmology Basel
Classification: Likely pathogenic for Retinal dystrophy. Last evaluated: 2024-05-27. Review status: criteria provided, single submitter. Criteria: ACMG Guidelines, 2015. Collection method: research. Allele origin: germline. Affected: yes. Observed: 2 variant alleles.
Comment: This variant was classified as Likely pathogenic based on ACMG criteria: PVS1_very strong, PM2_mod and PP1_strong

Literature cited by the submitters: PubMed 25189253; PubMed 40180963.

NM_000180.4(GUCY2D):c.1573del (p.Gln525fs)

Gene: GUCY2D (guanylate cyclase 2D, retinal; plus strand). Cytogenetic location: 17p13.1.
Variant type: Deletion.
Coding change: c.1573del on transcript NM_000180.4 (MANE Select); coding-DNA position 1573, one base deleted (C; older notation c.1573delC).
Protein change: p.Gln525fs; shifts the reading frame from glutamine 525.
Molecular consequence: frameshift variant.
Genome position (GRCh38, 1-based): chr17:8,007,937, C deleted; the last of 3 consecutive C bases (chr17:8,007,935-8,007,937); deleting any one gives the same sequence. VCF-style (leftmost placement, unchanged base first): chr17-8007934-GC-G. GRCh37 (hg19) VCF-style: chr17-7911252-GC-G.
Other names: NC_000017.10:g.7911255del; NP_000171.1:p.(Gln525ArgfsTer38); short protein forms Q525fs.
Identifiers: ClinVar variation 3381796 (VCV003381796.2).